The following is an entry in ClinVar:

ClinVar aggregate classification (germline): Pathogenic (1 of 4 stars; one submission).

Submission:

GeneDx
Classification: Pathogenic. Last evaluated: 2018-03-21. Review status: criteria provided, single submitter. Criteria: GeneDx Variant Classification (06012015). Collection method: clinical testing. Allele origin: germline. Affected: yes.
Comment: The c.1246_1249dupACAC variant in the PPM1D gene has not been reported previously as a pathogenic variant nor as a benign variant, to our knowledge. The c.1246_1249dupACAC variant causes a frameshift starting with codon Proline 417, changes this amino acid to a Histidine residue, and creates a premature Stop codon at position 18 of the new reading frame, denoted p.Pro417HisfsX18. This variant is predicted to cause loss of normal protein function through protein truncation, as the last 189 amino acids are lost and replaced with 17 incorrect amino acids. The c.1246_1249dupACAC variant is not observed in large population cohorts (Lek et al., 2016). We interpret c.1246_1249dupACAC as a pathogenic variant.

NM_003620.4(PPM1D):c.1246_1249dup (p.Pro417fs)

Gene: PPM1D (protein phosphatase, Mg2+/Mn2+ dependent 1D; plus strand). Cytogenetic location: 17q23.2.
Variant type: Microsatellite.
Coding change: c.1246_1249dup on transcript NM_003620.4 (MANE Select); coding-DNA positions 1246 to 1249, 4 bases duplicated (ACAC; older notation c.1246_1249dupACAC).
Protein change: p.Pro417fs; shifts the reading frame from proline 417.
Molecular consequence: frameshift variant.
Genome position (GRCh38, 1-based): chr17:60,656,827-60,656,830, ACAC duplicated. VCF-style (leftmost placement, unchanged base first): chr17-60656826-T-TACAC. GRCh37 (hg19) VCF-style: chr17-58734187-T-TACAC.
Other names: short protein forms P417fs.
Identifiers: ClinVar variation 524006 (VCV000524006.2), dbSNP rs1555648570, ClinGen allele CA658798918.